The following is an entry in ClinVar:

NM_004465.2(FGF10):c.610A>G (p.Met204Val)

Gene: FGF10 (fibroblast growth factor 10; minus strand). Cytogenetic location: 5p12.
Variant type: single nucleotide variant.
Coding change: c.610A>G on transcript NM_004465.2 (MANE Select); coding-DNA position 610, A replaced by G.
Protein change: p.Met204Val; replaces methionine 204 with valine.
Molecular consequence: missense variant.
Genome position (GRCh38, 1-based): chr5:44,305,012, T>C on the plus strand (A>G on the coding strand, the complement: FGF10 is on the minus strand). VCF-style: chr5-44305012-T-C. GRCh37 (hg19) VCF-style: chr5-44305114-T-C.
Other names: short protein forms M204V.
Identifiers: ClinVar variation 907811 (VCV000907811.9), dbSNP rs150695565, ClinGen allele CA3258478.
Genomic context (GRCh38, chr5:44,305,012, plus strand): 5'-AAAGAGCCATTGGTTCTACTGCATCCACAAACGTTGCCTTCCTCTATGAGTGTACCACCA[T>C]TGGAAGAAAGTGAGCAGAGGTGTTTTTCCTTCGTGTTTTCTGTCCTCTCCTTGGAGCTCC-3'
Protein context (NP_004456.1, residues 194-208): RKNTSAHFLP[Met204Val]VVHS

ClinVar aggregate classification (germline): Conflicting classifications of pathogenicity. Review status: criteria provided, conflicting classifications (1 of 4 stars). 5 submissions from 5 submitters: Uncertain significance (1); Benign (2); Likely benign (2). Last evaluated 2025-10-09.

Conditions:
Congenital absence of salivary gland (ALSG). Also called: Aplasia of lacrimal and salivary glands; Salivary glands, absence of. Identifiers: Orphanet 86815, MedGen C0158667, MONDO:0008397, OMIM 180920.
Lacrimoauriculodentodigital syndrome 3 (LADD3). Also called: LADD syndrome 3. Identifiers: MedGen C5774287, MONDO:0859578, OMIM 620193.

Allele frequency attached by ClinVar (database versions not stated): gnomAD exomes 0.00006 and 0.00016; gnomAD 0.00009 and 0.00012; TOPMed 0.00010; ExAC 0.00016; 1000 Genomes Project 0.00060; 1000 Genomes Project 30x 0.00062.
gnomAD v4.1: 104 of 1,613,974 alleles (0.0064%); highest among the groups gnomAD compares: East Asian, 0.23%; 1 homozygote.

Submissions (5):

Labcorp Genetics (formerly Invitae), Labcorp
Classification: Likely benign. Last evaluated: 2025-10-09. Review status: criteria provided, single submitter. Criteria: Invitae Variant Classification Sherloc (09022015). Collection method: clinical testing. Allele origin: germline.

GeneDx
Classification: Uncertain significance. Last evaluated: 2022-10-24. Review status: criteria provided, single submitter. Criteria: GeneDx Variant Classification Process June 2021. Collection method: clinical testing. Allele origin: germline. Affected: yes.
Comment: In silico analysis supports that this missense variant does not alter protein structure/function; Reported in a patient with a disorder of sexual development who also harbored a variant in the SRY gene (Wang et al., 2018); This variant is associated with the following publications: (PMID: 29582157, 32140723)

Department of Pathology and Laboratory Medicine, Sinai Health System
Classification: Likely benign for Congenital absence of salivary gland; Lacrimoauriculodentodigital syndrome 3. Last evaluated: 2022-05-05. Review status: criteria provided, single submitter. Criteria: ACMG Guidelines, 2015. Collection method: research. Allele origin: germline.

Illumina Laboratory Services, Illumina
Classification: Benign for Congenital absence of salivary gland. Last evaluated: 2018-01-13. Review status: criteria provided, single submitter. Criteria: ICSL Variant Classification Criteria 13 December 2019. Collection method: clinical testing. Allele origin: germline.
Comment: This variant was observed in the ICSL laboratory as part of a predisposition screen in an ostensibly healthy population. It had not been previously curated by ICSL or reported in the Human Gene Mutation Database (HGMD: prior to June 1st, 2018), and was therefore a candidate for classification through an automated scoring system. Utilizing variant allele frequency, disease prevalence and penetrance estimates, and inheritance mode, an automated score was calculated to assess if this variant is too frequent to cause the disease. Based on the score and internal cut-off values, a variant classified as benign is not then subjected to further curation. The score for this variant resulted in a classification of benign for this disease.

Breakthrough Genomics
Classification: Benign. Review status: criteria provided, single submitter. Criteria: ACMG Guidelines, 2015. Collection method: not provided. Allele origin: germline. Inheritance: Autosomal dominant inheritance. Affected: yes.